The following is an entry in ClinVar:

ClinVar aggregate classification (germline): Pathogenic (1 of 4 stars; one submission).

Conditions:
Ataxia-telangiectasia syndrome (AT). Also called: Cerebello-oculocutaneous telangiectasia; Immunodeficiency with ataxia telangiectasia; Ataxia-telangiectasia; AT, COMPLEMENTATION GROUP C; Ataxia telangiectasia (A-T); LOUIS-BAR SYNDROME. Identifiers: Orphanet 100, MedGen C0004135, MONDO:0008840, OMIM 208900.

Submission:

Labcorp Genetics (formerly Invitae), Labcorp
Classification: Pathogenic for Ataxia-telangiectasia syndrome. Last evaluated: 2022-02-21. Review status: criteria provided, single submitter. Criteria: Invitae Variant Classification Sherloc (09022015). Collection method: clinical testing. Allele origin: germline.
Comment: This variant is a gross deletion of the genomic region encompassing exon(s) 2-3 of the ATM gene, which includes the initiator codon. This deletion extends beyond the assayed region for this gene and therefore may encompass additional genes. It is expected to result in an absent or disrupted protein product. Loss-of-function variants in ATM are known to be pathogenic (PMID: 23807571, 25614872). This variant has not been reported in the literature in individuals affected with ATM-related conditions. For these reasons, this variant has been classified as Pathogenic.

Literature cited by the submitters: PubMed 23807571; PubMed 25614872.

NC_000011.9:g.(?_108098352)_(108098615_?)del

Gene: ATM (ATM serine/threonine kinase; plus strand). Cytogenetic location: 11q22.3.
Variant type: Deletion.
Identifiers: ClinVar variation 2422232 (VCV002422232.3).